The following is an entry in ClinVar:

ClinVar aggregate classification (germline): Likely benign (0 of 4 stars; one submission).

Conditions:
PLXNA1-related disorder. Also called: PLXNA1-related condition.

Allele frequency attached by ClinVar (database versions not stated): gnomAD exomes below 0.00001; ExAC 0.00001; TOPMed 0.00006; gnomAD 0.00007; ESP Exome Variant Server 0.00008.
gnomAD v4.1: 16 of 1,613,102 alleles (0.00099%); highest among the groups gnomAD compares: African/African-American, 0.02%; no homozygotes.

Submission:

PreventionGenetics, part of Exact Sciences
Classification: Likely benign for PLXNA1-related condition. Last evaluated: 2022-08-24. Review status: no assertion criteria provided. Collection method: clinical testing. Allele origin: germline.
Comment: This variant is classified as likely benign based on ACMG/AMP sequence variant interpretation guidelines (Richards et al. 2015 PMID: 25741868, with internal and published modifications).

NM_032242.4(PLXNA1):c.972G>T (p.Leu324=)

Gene: PLXNA1 (plexin A1; plus strand). Cytogenetic location: 3q21.3.
Variant type: single nucleotide variant.
Coding change: c.972G>T on transcript NM_032242.4 (MANE Select); coding-DNA position 972, G replaced by T.
Protein change: p.Leu324=; no amino-acid change (leucine 324 retained).
Molecular consequence: synonymous variant.
Genome position (GRCh38, 1-based): chr3:126,989,565, G>T. VCF-style: chr3-126989565-G-T. GRCh37 (hg19) VCF-style: chr3-126708408-G-T.
Identifiers: ClinVar variation 3054785 (VCV003054785.2), dbSNP rs376338024, ClinGen allele CA2593095.